The following is an entry in ClinVar:

NM_000548.5(TSC2):c.1896CAA[1] (p.Asn633del)

Gene: TSC2 (TSC complex subunit 2; plus strand). Cytogenetic location: 16p13.3.
Variant type: Microsatellite.
Coding change: c.1896CAA[1] on transcript NM_000548.5 (MANE Select); one copy of the 3-base unit CAA starting at c.1896; the reference has two copies in a row; one copy, 3 bases deleted.
Protein change: p.Asn633del; deletes asparagine 633.
Molecular consequence: inframe deletion. On other transcripts: inframe indel (2), non-coding transcript variant (5).
Genome position (GRCh38, 1-based): chr16:2,071,569-2,071,571, CAA deleted; deleting any 3 consecutive bases within chr16:2,071,566-2,071,571 gives the same sequence; the position shown is the placement nearest the transcript's 3' end. VCF-style (leftmost placement, unchanged base first): chr16-2071565-CCAA-C. GRCh37 (hg19) VCF-style: chr16-2121566-CCAA-C.
Other names: c.1899_1901delCAA (NM_000548.3); c.1896_1898CAA[1], p.Asn633del (NM_000548.3); c.1896CAA[1], p.Asn633del (NM_001077183.3, NM_001114382.3, NM_001363528.2 and 6 more transcripts); c.1785CAA[1], p.Asn596del (NM_001318827.2, NM_001406670.1, NM_001406678.1); c.1749CAA[1], p.Asn584del (NM_001318829.2, NM_001406675.1, NM_001406676.1 and 1 more transcripts); c.1296CAA[1], p.Asn433del (NM_001318831.2, NM_001406680.1, NM_001406682.1 and 6 more transcripts); c.1929CAA[1], p.Asn644del (NM_001318832.2); c.1986CAA[1], p.Asn663del (NM_001406667.1, NM_001406668.1); and 5 more; short protein forms N185del, N433del, N479del, N584del, N596del, N614del, N629del, N633del.
Identifiers: ClinVar variation 4866097 (VCV004866097.1).
Genomic context (GRCh38, chr16:2,071,565, plus strand): 5'-GACAGGCCTTTGACTTCCTGTTGCTGCTGCGGGCCGACTCACTGCACCGCCTGGGCCTGC[CCAA>C]CAAGGATGGAGTCGTGCGGTTCAGCCCCTACTGCGTCTGCGACTACATGTACGCGGGACC-3'

ClinVar aggregate classification (germline): Uncertain significance (1 of 4 stars; one submission).

Conditions:
Hereditary cancer-predisposing syndrome. Also called: Neoplastic Syndromes, Hereditary; Tumor predisposition; Hereditary Cancer Syndrome; Hereditary neoplastic syndrome. Identifiers: Orphanet 140162, MedGen C0027672, MeSH D009386, MONDO:0015356.

Submission:

Ambry Genetics
Classification: Uncertain significance for Hereditary cancer-predisposing syndrome. Last evaluated: 2026-04-24. Review status: criteria provided, single submitter. Criteria: Ambry Variant Classification Scheme 2023. Collection method: clinical testing. Allele origin: germline.
Comment: The c.1899_1901delCAA variant (also known as p.N633del) is located in coding exon 17 of the TSC2 gene. This variant results from an in-frame CAA deletion at nucleotide positions 1899 to 1901. This results in the in-frame deletion of an asparagine at codon 633. This amino acid position is poorly conserved in available vertebrate species. In addition, this variant is predicted to be deleterious by in silico analysis (Choi Y et al. PLoS ONE. 2012; 7(10):e46688). Based on the available evidence, the clinical significance of this variant remains unclear.